The following is an entry in ClinVar:

NM_015404.4(WHRN):c.2677C>A (p.Arg893Ser)

Gene: WHRN (whirlin; minus strand). Cytogenetic location: 9q32.
Variant type: single nucleotide variant.
Coding change: c.2677C>A on transcript NM_015404.4 (MANE Select); coding-DNA position 2677, C replaced by A.
Protein change: p.Arg893Ser; replaces arginine 893 with serine.
Molecular consequence: missense variant.
Genome position (GRCh38, 1-based): chr9:114,402,801, G>T on the plus strand (C>A on the coding strand, the complement: WHRN is on the minus strand). VCF-style: chr9-114402801-G-T. GRCh37 (hg19) VCF-style: chr9-117165081-G-T.
Other names: c.1528C>A, p.Arg510Ser (NM_001083885.3); c.2674C>A, p.Arg892Ser (NM_001173425.2); c.1624C>A, p.Arg542Ser (NM_001346890.1); short protein forms R510S, R542S, R892S, R893S.
Identifiers: ClinVar variation 4685146 (VCV004685146.1).

ClinVar aggregate classification (germline): Uncertain significance (1 of 4 stars; one submission).

gnomAD v4.1: 2 of 1,614,072 alleles (0.00012%); highest among the groups gnomAD compares: African/African-American, 0.0013%; no homozygotes.

Submission:

GeneDx
Classification: Uncertain significance. Last evaluated: 2025-07-06. Review status: criteria provided, single submitter. Criteria: GeneDx Variant Classification Process June 2021. Collection method: clinical testing. Allele origin: germline. Affected: yes.
Comment: Not observed at significant frequency in large population cohorts (gnomAD); In silico analysis suggests that this missense variant does not alter protein structure/function; Has not been previously published as pathogenic or benign to our knowledge